The following is an entry in ClinVar:

NM_000179.3(MSH6):c.3660_3663dup (p.Phe1222fs)

Gene: MSH6 (mutS homolog 6; plus strand). Cytogenetic location: 2p16.3.
Variant type: Duplication.
Coding change: c.3660_3663dup on transcript NM_000179.3 (MANE Select); coding-DNA positions 3660 to 3663, 4 bases duplicated (AACA; older notation c.3660_3663dupAACA).
Protein change: p.Phe1222fs; shifts the reading frame from phenylalanine 1222.
Molecular consequence: frameshift variant.
Genome position (GRCh38, 1-based): chr2:47,806,217-47,806,220, AACA duplicated. VCF-style (leftmost placement, unchanged base first): chr2-47806216-C-CAACA. GRCh37 (hg19) VCF-style: chr2-48033355-C-CAACA.
Other names: c.3270_3273dup, p.Phe1092fs (NM_001281492.2); c.2754_2757dup, p.Phe920fs (NM_001281493.2, NM_001281494.2); c.3660_3663dupAACA (NM_000179.2); short protein forms F1222fs, F1092fs, F920fs.
Identifiers: ClinVar variation 428406 (VCV000428406.17), dbSNP rs752404604, ClinGen allele CA071808.

ClinVar aggregate classification (germline): Pathogenic/Likely pathogenic. Review status: criteria provided, multiple submitters, no conflicts (2 of 4 stars). 5 submissions from 5 submitters: Pathogenic (3); Likely pathogenic (2). Last evaluated 2024-10-16.

Conditions:
Lynch syndrome. Identifiers: Orphanet 144, MedGen C4552100, MONDO:0005835. Disease mechanism: loss of function.
Lynch syndrome 5 (LYNCH5). Also called: Hereditary non-polyposis colorectal cancer, type 5; Colorectal cancer, hereditary nonpolyposis, type 5. Identifiers: Orphanet 144, MedGen C1833477, MONDO:0013710, OMIM 614350. Disease mechanism: loss of function.
Hereditary cancer-predisposing syndrome. Also called: Hereditary Cancer Syndrome; Neoplastic Syndromes, Hereditary; Hereditary neoplastic syndrome; Tumor predisposition. Identifiers: Orphanet 140162, MedGen C0027672, MeSH D009386, MONDO:0015356.
Hereditary nonpolyposis colorectal neoplasms. Identifiers: MedGen C0009405, MeSH D003123.

Allele frequency attached by ClinVar (database versions not stated): gnomAD exomes below 0.00001; TOPMed below 0.00001; ExAC 0.00001; gnomAD 0.00001.

Submissions (5):

Labcorp Genetics (formerly Invitae), Labcorp
Classification: Pathogenic for Hereditary nonpolyposis colorectal neoplasms. Last evaluated: 2024-10-16. Review status: criteria provided, single submitter. Criteria: Invitae Variant Classification Sherloc (09022015). Collection method: clinical testing. Allele origin: germline.
Comment: This sequence change creates a premature translational stop signal (p.Phe1222Asnfs*3) in the MSH6 gene. It is expected to result in an absent or disrupted protein product. Loss-of-function variants in MSH6 are known to be pathogenic (PMID: 18269114, 24362816). This variant is present in population databases (rs752404604, gnomAD 0.007%). This variant has not been reported in the literature in individuals affected with MSH6-related conditions. ClinVar contains an entry for this variant (Variation ID: 428406). For these reasons, this variant has been classified as Pathogenic.

Ambry Genetics
Classification: Pathogenic for Hereditary cancer-predisposing syndrome. Last evaluated: 2024-03-06. Review status: criteria provided, single submitter. Criteria: Ambry Variant Classification Scheme 2023. Collection method: clinical testing. Allele origin: germline.
Comment: The c.3660_3663dupAACA pathogenic mutation, located in coding exon 8 of the MSH6 gene, results from a duplication of AACA at nucleotide position 3660, causing a translational frameshift with a predicted alternate stop codon (p.F1222Nfs*3). This alteration is expected to result in loss of function by premature protein truncation or nonsense-mediated mRNA decay. As such, this alteration is interpreted as a disease-causing mutation.

Myriad Genetics, Inc.
Classification: Pathogenic for Lynch syndrome 5. Last evaluated: 2023-08-24. Review status: criteria provided, single submitter. Criteria: Myriad Autosomal Dominant, Autosomal Recessive and X-Linked Classification Criteria (2023). Collection method: clinical testing. Allele origin: unknown.
Comment: This variant is considered pathogenic. This variant creates a frameshift predicted to result in premature protein truncation.

Laboratory for Molecular Medicine, Mass General Brigham Personalized Medicine
Classification: Likely pathogenic for Lynch syndrome. Last evaluated: 2023-02-06. Review status: criteria provided, single submitter. Criteria: ACMG Guidelines, 2015. Collection method: clinical testing. Allele origin: germline. Inheritance: Autosomal dominant inheritance.
Comment: The p.Phe1222AsnfsX3 variant in MSH6 has not been previously reported in individuals with MSH6-associated cancers but has been reported by other clinical laboratories in ClinVar (Variation ID 428406). It has also been identified in 0.002% (1/41412) of African/African-American chromosomes by gnomAD (gnomAD v3.1.1). This variant is predicted to cause a frameshift, which alters the protein’s amino acid sequence beginning at position 1222 and leads to a premature termination codon 3 amino acids downstream. This alteration is then predicted to lead to a truncated or absent protein. Heterozygous loss of function of the MSH6 gene is an established disease mechanism in autosomal dominant Lynch syndrome. In summary, although additional studies are required to fully establish its clinical significance, this variant meets criteria to be classified as likely pathogenic for autosomal dominant Lynch syndrome. ACMG/AMP Criteria applied: PVS1, PM2_Supporting.

Women's Health and Genetics/Laboratory Corporation of America, LabCorp
Classification: Likely pathogenic for Lynch syndrome. Last evaluated: 2019-05-30. Review status: criteria provided, single submitter. Criteria: LabCorp Variant Classification Summary - May 2015. Collection method: clinical testing. Allele origin: germline.
Comment: Variant summary: MSH6 c.3660_3663dupAACA (p.Phe1222AsnfsX3) results in a premature termination codon, predicted to cause a truncation of the encoded protein or absence of the protein due to nonsense mediated decay, which are commonly known mechanisms for disease. Truncations downstream of this position have been classified as pathogenic by our laboratory (eg. c.3699_3702delAGAA (p.Lys1233fsX6), c.3799_3800delAT (p.Met1267fsX7)). The variant allele was found at a frequency of 4e-06 in 251262 control chromosomes (gnomAD). To our knowledge, no occurrence of c.3660_3663dupAACA in individuals affected with Lynch Syndrome and no experimental evidence demonstrating its impact on protein function have been reported. One other submitter have provided clinical-significance assessments for this variant to ClinVar after 2014 without evidence for independent evaluation and classified the variant as pathogenic. Based on the evidence outlined above, the variant was classified as likely pathogenic.

Literature cited by the submitters: PubMed 18269114 (cited by Labcorp Genetics (formerly Invitae), Labcorp); PubMed 24362816 (cited by Labcorp Genetics (formerly Invitae), Labcorp).